The following is an entry in ClinVar:

ClinVar aggregate classification (germline): Likely pathogenic (1 of 4 stars; one submission).

Submissions (2):

GeneDx
Classification: Likely pathogenic. Last evaluated: 2014-09-02. Review status: criteria provided, single submitter. Criteria: GeneDx Variant Classification (06012015). Collection method: clinical testing. Allele origin: germline. Affected: yes.
Comment: A novel H73Y variant that is likely pathogenic was identified in the KCNE1 gene. It has not been published as a pathogenic variant or as a benign polymorphism to our knowledge. The H73Y variant was not observed in approximately 6,500 individuals of European and African American ancestry in an external variant database, indicating it is not a common benign variant in these populations. The H73Y variant is a non-conservative amino acid substitution, which is likely to impact secondary protein structure as these residues differ in polarity, charge, size and/or other properties. This substitution occurs at a position that is conserved across species. In silico analysis predicts this variant is probably damaging to the protein structure/function. Missense mutations in nearby residues (K70M, K70N, S74L, D76N) have been reported in the Human Gene Mutation Database in association with disease (Stenson et al., 2009), supporting the functional importance of this region of the protein. Therefore, this is a strong candidate for a pathogenic variant, however the possibility that it is a benign variant cannot be excluded.

Roden Lab, Vanderbilt University Medical Center
No classification provided (evidence only). Condition: Long QT syndrome 5. Review status: no classification provided. Collection method: in vitro. Allele origin: not applicable. Functional consequence: Effect on ion channel function. Not counted in ClinVar's aggregate classification.
ClinVar note: "not provided" was previously submitted as the classification for the variant. However, the classification appeared to be based only on an observation of functional data so it was converted to no classification on 2025-07-30.

NM_000219.6(KCNE1):c.217C>T (p.His73Tyr)

Gene: KCNE1 (potassium voltage-gated channel subfamily E regulatory subunit 1; minus strand). Cytogenetic location: 21q22.12.
Variant type: single nucleotide variant.
Coding change: c.217C>T on transcript NM_000219.6 (MANE Select); coding-DNA position 217, C replaced by T.
Protein change: p.His73Tyr; replaces histidine 73 with tyrosine.
Molecular consequence: missense variant.
Genome position (GRCh38, 1-based): chr21:34,449,418, G>A on the plus strand (C>T on the coding strand, the complement: KCNE1 is on the minus strand). VCF-style: chr21-34449418-G-A. GRCh37 (hg19) VCF-style: chr21-35821716-G-A.
Other names: c.217C>T, p.His73Tyr (NM_001127668.4, NM_001127669.4, NM_001127670.4 and 4 more transcripts); short protein forms H73Y.
Identifiers: ClinVar variation 418270 (VCV000418270.4), dbSNP rs1064793159, ClinGen allele CA16620987.